The following is an entry in ClinVar:

ClinVar aggregate classification (germline): Uncertain significance. Review status: criteria provided, multiple submitters, no conflicts (2 of 4 stars). 3 submissions from 3 submitters: Uncertain significance (3). Last evaluated 2024-09-16.

Conditions:
Stickler syndrome type 1 (STL1). Also called: STICKLER SYNDROME, MEMBRANOUS VITREOUS TYPE; STICKLER SYNDROME, VITREOUS TYPE 1; ARTHROOPHTHALMOPATHY, HEREDITARY PROGRESSIVE; COL2A1-Related Stickler Syndrome. Identifiers: Orphanet 828, Orphanet 90653, MedGen C2020284, MONDO:0007160, OMIM 108300.

Allele frequency attached by ClinVar (database versions not stated): gnomAD exomes below 0.00001; ExAC 0.00001.
gnomAD v4.1: 1 of 1,605,224 alleles (0.000062%); highest among the groups gnomAD compares: Non-Finnish European, 0.000085%; no homozygotes.

Submissions (3):

GeneDx
Classification: Uncertain significance. Last evaluated: 2024-09-16. Review status: criteria provided, single submitter. Criteria: GeneDx Variant Classification Process June 2021. Collection method: clinical testing. Allele origin: germline. Affected: yes.
Comment: In silico analysis supports that this missense variant has a deleterious effect on protein structure/function; Has not been previously published as pathogenic or benign to our knowledge; In silico analysis suggests this variant may impact gene splicing. In the absence of RNA/functional studies, the actual effect of this sequence change is unknown.; Not located in the triple helical region, where the majority of pathogenic missense variants occur (HGMD)

Genomic Medicine Center of Excellence, King Faisal Specialist Hospital and Research Centre
Classification: Uncertain significance for Stickler syndrome type 1. Last evaluated: 2024-03-26. Review status: criteria provided, single submitter. Criteria: ACMG Guidelines, 2015. Collection method: clinical testing. Allele origin: germline.

Labcorp Genetics (formerly Invitae), Labcorp
Classification: Uncertain significance. Last evaluated: 2021-10-22. Review status: criteria provided, single submitter. Criteria: Invitae Variant Classification Sherloc (09022015). Collection method: clinical testing. Allele origin: germline.
Comment: This variant disrupts the p.Asp1219 amino acid residue in COL2A1. Other variant(s) that disrupt this residue have been determined to be pathogenic (PMID: 26420734). This suggests that this residue is clinically significant, and that variants that disrupt this residue are likely to be disease-causing. In summary, the available evidence is currently insufficient to determine the role of this variant in disease. Therefore, it has been classified as a Variant of Uncertain Significance. Advanced modeling of protein sequence and biophysical properties (such as structural, functional, and spatial information, amino acid conservation, physicochemical variation, residue mobility, and thermodynamic stability) performed at Invitae indicates that this missense variant is not expected to disrupt COL2A1 protein function. This variant has not been reported in the literature in individuals affected with COL2A1-related conditions. The frequency data for this variant in the population databases is considered unreliable, as metrics indicate poor data quality at this position in the gnomAD database. This sequence change replaces aspartic acid, which is acidic and polar, with asparagine, which is neutral and polar, at codon 1219 of the COL2A1 protein (p.Asp1219Asn).

Literature cited by the submitters: PubMed 26420734 (cited by Labcorp Genetics (formerly Invitae), Labcorp).

NM_001844.5(COL2A1):c.3655G>A (p.Asp1219Asn)

Gene: COL2A1 (collagen type II alpha 1 chain; minus strand). Cytogenetic location: 12q13.11.
Variant type: single nucleotide variant.
Coding change: c.3655G>A on transcript NM_001844.5 (MANE Select); coding-DNA position 3655, G replaced by A.
Protein change: p.Asp1219Asn; replaces aspartic acid 1219 with asparagine.
Molecular consequence: missense variant.
Genome position (GRCh38, 1-based): chr12:47,975,548, C>T on the plus strand (G>A on the coding strand, the complement: COL2A1 is on the minus strand). VCF-style: chr12-47975548-C-T. GRCh37 (hg19) VCF-style: chr12-48369331-C-T.
Other names: c.3655G>A (NM_001844.4); c.3448G>A, p.Asp1150Asn (NM_033150.3); short protein forms D1150N, D1219N.
Identifiers: ClinVar variation 1388704 (VCV001388704.8), dbSNP rs760093841, ClinGen allele CA6534675.